The following is an entry in ClinVar:

ClinVar aggregate classification (germline): Conflicting classifications of pathogenicity. Review status: criteria provided, conflicting classifications (1 of 4 stars). 3 submissions from 3 submitters: Uncertain significance (2); Likely benign (1). Last evaluated 2024-11-05.

Conditions:
Early-infantile DEE. Also called: Early infantile epileptic encephalopathy; Ohtahara syndrome; Early infantile epileptic encephalopathy with suppression bursts. Identifiers: Orphanet 1934, MedGen C0393706, MONDO:0800491.
Inborn genetic diseases. Identifiers: MedGen C0950123, MeSH D030342.

Allele frequency attached by ClinVar (database versions not stated): TOPMed below 0.00001.
gnomAD v4.1: 62 of 1,614,042 alleles (0.0038%); highest among the groups gnomAD compares: Non-Finnish European, 0.0052%; no homozygotes.

Submissions (3):

Labcorp Genetics (formerly Invitae), Labcorp
Classification: Uncertain significance for Early-infantile DEE. Last evaluated: 2024-11-05. Review status: criteria provided, single submitter. Criteria: Invitae Variant Classification Sherloc (09022015). Collection method: clinical testing. Allele origin: germline.
Comment: This sequence change replaces threonine, which is neutral and polar, with serine, which is neutral and polar, at codon 807 of the HCN1 protein (p.Thr807Ser). This variant is not present in population databases (gnomAD no frequency). This variant has not been reported in the literature in individuals affected with HCN1-related conditions. ClinVar contains an entry for this variant (Variation ID: 940229). Invitae Evidence Modeling of protein sequence and biophysical properties (such as structural, functional, and spatial information, amino acid conservation, physicochemical variation, residue mobility, and thermodynamic stability) indicates that this missense variant is not expected to disrupt HCN1 protein function with a negative predictive value of 95%. In summary, the available evidence is currently insufficient to determine the role of this variant in disease. Therefore, it has been classified as a Variant of Uncertain Significance.

GeneDx
Classification: Uncertain significance. Last evaluated: 2022-02-08. Review status: criteria provided, single submitter. Criteria: GeneDx Variant Classification Process June 2021. Collection method: clinical testing. Allele origin: germline. Affected: yes.
Comment: Not observed at significant frequency in large population cohorts (gnomAD); In silico analysis supports that this missense variant does not alter protein structure/function; Has not been previously published as pathogenic or benign to our knowledge

Ambry Genetics
Classification: Likely benign for Inborn genetic diseases. Last evaluated: 2018-07-23. Review status: criteria provided, single submitter. Criteria: Ambry Variant Classification Scheme 2023. Collection method: clinical testing. Allele origin: germline.

NM_021072.4(HCN1):c.2420C>G (p.Thr807Ser)

Gene: HCN1 (hyperpolarization activated cyclic nucleotide gated potassium channel 1; minus strand). Cytogenetic location: 5p12.
Variant type: single nucleotide variant.
Coding change: c.2420C>G on transcript NM_021072.4 (MANE Select); coding-DNA position 2420, C replaced by G.
Protein change: p.Thr807Ser; replaces threonine 807 with serine.
Molecular consequence: missense variant.
Genome position (GRCh38, 1-based): chr5:45,262,174, G>C on the plus strand (C>G on the coding strand, the complement: HCN1 is on the minus strand). VCF-style: chr5-45262174-G-C. GRCh37 (hg19) VCF-style: chr5-45262276-G-C.
Other names: short protein forms T807S.
Identifiers: ClinVar variation 940229 (VCV000940229.14), dbSNP rs1244303801, ClinGen allele CA359703372.